The following is an entry in ClinVar:

ClinVar aggregate classification (germline): Uncertain significance (1 of 4 stars; one submission).

Submission:

Women's Health and Genetics/Laboratory Corporation of America, LabCorp
Classification: Uncertain significance. Last evaluated: 2025-04-18. Review status: criteria provided, single submitter. Criteria: LabCorp Variant Classification Summary - May 2015. Collection method: clinical testing. Allele origin: germline.
Comment: Variant summary: NPHS2 c.713G>T (p.Arg238Met) results in a non-conservative amino acid change located in the Band 7 domain (IPR001107) of the encoded protein sequence. Five of five in-silico tools predict a damaging effect of the variant on protein function. The variant was absent in 250728 control chromosomes. The available data on variant occurrences in the general population are insufficient to allow any conclusion about variant significance. To our knowledge, no occurrence of c.713G>T in individuals affected with Nephrotic Syndrome, Type 2 and no experimental evidence demonstrating its impact on protein function have been reported. A different variant affecting the same codon has been classified as pathogenic by our lab (c.714G>C, p.Arg238Ser), supporting the critical relevance of codon 238 to NPHS2 protein function. No submitters have cited clinical-significance assessments for this variant to ClinVar. Based on the evidence outlined above, the variant was classified as uncertain significance.

NM_014625.4(NPHS2):c.713G>T (p.Arg238Met)

Gene: NPHS2 (NPHS2 stomatin family member, podocin; minus strand). Cytogenetic location: 1q25.2.
Variant type: single nucleotide variant.
Coding change: c.713G>T on transcript NM_014625.4 (MANE Select); coding-DNA position 713, G replaced by T.
Protein change: p.Arg238Met; replaces arginine 238 with methionine.
Molecular consequence: missense variant. On other transcripts: intron variant (1).
Genome position (GRCh38, 1-based): chr1:179,557,052, C>A on the plus strand (G>T on the coding strand, the complement: NPHS2 is on the minus strand). VCF-style: chr1-179557052-C-A. GRCh37 (hg19) VCF-style: chr1-179526187-C-A.
Other names: c.535-2521G>T (NM_001297575.2); short protein forms R238M.
Identifiers: ClinVar variation 3896182 (VCV003896182.2).